The following is an entry in ClinVar:

ClinVar aggregate classification (germline): Likely benign (1 of 4 stars; one submission).

Allele frequency attached by ClinVar (database versions not stated): gnomAD exomes 0.00001 and 0.00004; ExAC 0.00003; gnomAD 0.00005; TOPMed 0.00005; ESP Exome Variant Server 0.00008.
gnomAD v4.1: 21 of 1,601,798 alleles (0.0013%); highest among the groups gnomAD compares: African/African-American, 0.011%; no homozygotes.

Submissions (2):

GeneDx
Classification: Likely benign. Last evaluated: 2016-01-19. Review status: criteria provided, single submitter. Criteria: GeneDx Variant Classification (06012015). Collection method: clinical testing. Allele origin: germline. Affected: yes.
Comment: This variant is considered likely benign or benign based on one or more of the following criteria: it is a conservative change, it occurs at a poorly conserved position in the protein, it is predicted to be benign by multiple in silico algorithms, and/or has population frequency not consistent with disease.

Dr. Peter K. Rogan Lab, Western University
No classification provided (evidence only). Condition: Gastric cancer. Review status: no classification provided. Collection method: in vitro. Allele origin: not applicable. Functional consequence: retained intron. Not counted in ClinVar's aggregate classification.

NM_025265.4(TSEN2):c.627C>T (p.Ser209=)

Gene: TSEN2 (tRNA splicing endonuclease subunit 2; plus strand). Cytogenetic location: 3p25.2.
Variant type: single nucleotide variant.
Coding change: c.627C>T on transcript NM_025265.4 (MANE Select); coding-DNA position 627, C replaced by T.
Protein change: p.Ser209=; no amino-acid change (serine 209 retained).
Molecular consequence: synonymous variant. On other transcripts: non-coding transcript variant (1), intron variant (1).
Genome position (GRCh38, 1-based): chr3:12,503,580, C>T. VCF-style: chr3-12503580-C-T. GRCh37 (hg19) VCF-style: chr3-12545079-C-T.
Other names: NC_000003.11:g.12545079C>T; c.627C>T, p.Ser209= (NM_001145392.2, NM_001145393.3, NM_001321277.2 and 2 more transcripts); c.517-67C>T (NM_001145394.2).
Identifiers: ClinVar variation 382237 (VCV000382237.2), dbSNP rs151022816, ClinGen allele CA2258554.